The following is an entry in ClinVar:

ClinVar aggregate classification (germline): Pathogenic/Likely pathogenic. Review status: criteria provided, multiple submitters, no conflicts (2 of 4 stars). 14 submissions from 13 submitters: Pathogenic (9); Likely pathogenic (2). 3 of the submissions do not count toward it. Last evaluated 2026-01-12.

Conditions:
Usher syndrome. Also called: Usher Syndromes; Usher's syndrome. Identifiers: Orphanet 886, MedGen CN469326, MeSH D052245, MONDO:0019501. Disease mechanism: loss of function.
Retinal dystrophy. Also called: Inherited retinal dystrophy. Identifiers: Orphanet 71862, MedGen C0854723, MeSH D058499, MONDO:0019118, HP:0000556.
Usher syndrome type 2A. Also called: RETINAL DISEASE IN USHER SYNDROME TYPE IIA, MODIFIER OF; USHER SYNDROME, TYPE IIA. Identifiers: Orphanet 231178, Orphanet 886, MedGen C1848634, MONDO:0010169, OMIM 276901.
Retinitis pigmentosa 39 (RP39). Identifiers: Orphanet 791, MedGen C3151138, MONDO:0013436, OMIM 613809.
USH2A-related disorder. Also called: USH2A-related disorders; USH2A-related condition. Identifiers: MedGen CN239332.

Allele frequency attached by ClinVar (database versions not stated): gnomAD exomes below 0.00001 and 0.00001; gnomAD 0.00001 and 0.00002; ExAC 0.00002; TOPMed 0.00002.

Submissions (14):

Labcorp Genetics (formerly Invitae), Labcorp
Classification: Pathogenic. Last evaluated: 2026-01-12. Review status: criteria provided, single submitter. Criteria: Invitae Variant Classification Sherloc (09022015). Collection method: clinical testing. Allele origin: germline.
Comment: This sequence change creates a premature translational stop signal (p.Gln4371Argfs*19) in the USH2A gene. It is expected to result in an absent or disrupted protein product. Loss-of-function variants in USH2A are known to be pathogenic (PMID: 10729113, 10909849, 20507924, 25649381). This variant is present in population databases (rs768161313, gnomAD 0.02%). This premature translational stop signal has been observed in individual(s) with USH2A-related conditions (PMID: 28894305; internal data). In at least one individual the data is consistent with being in trans (on the opposite chromosome) from a pathogenic variant. ClinVar contains an entry for this variant (Variation ID: 558585). For these reasons, this variant has been classified as Pathogenic.

Natera, Inc.
Classification: Pathogenic for Usher syndrome type 2A. Last evaluated: 2025-07-25. Review status: criteria provided, single submitter. Criteria: Natera Variant Classification Schema (03/2026). Collection method: clinical testing. Allele origin: germline.
Comment: The c.13112_13115delAAAT variant in USH2A is a frameshift variant predicted to shift the reading frame beginning at codon 4371 and leads to a stop codon 19 codons downstream. This variant is expected to result in nonsense mediated decay, truncation, or a dysfunctional protein product. This variant is rare in the general population with a frequency below the threshold expected for the associated phenotype(s). This variant has been observed in one or more individuals affected with the associated recessive disease, as either homozygous or compound heterozygous with a second variant (PMID: 28894305). Given the available evidence, this variant is classified as Pathogenic.

Women's Health and Genetics/Laboratory Corporation of America, LabCorp
Classification: Pathogenic for Usher syndrome. Last evaluated: 2025-07-07. Review status: criteria provided, single submitter. Criteria: LabCorp Variant Classification Summary - May 2015. Collection method: clinical testing. Allele origin: germline.
Comment: Variant summary: USH2A c.13112_13115delAAAT (p.Gln4371ArgfsX19) results in a premature termination codon, predicted to cause a truncation of the encoded protein or absence of the protein due to nonsense mediated decay, which are commonly known mechanisms for disease. The variant allele was found at a frequency of 1.2e-05 in 250716 control chromosomes. c.13112_13115delAAAT has been observed in individual(s) affected with sensorineural hearing loss (Example: Lee_2019). The following publication has been ascertained in the context of this evaluation (PMID: 31674169). ClinVar contains an entry for this variant (Variation ID: 558585). Based on the evidence outlined above, the variant was classified as pathogenic.

3billion
Classification: Pathogenic for Retinitis pigmentosa 39. Last evaluated: 2024-02-16. Review status: criteria provided, single submitter. Criteria: ACMG Guidelines, 2015. Collection method: clinical testing. Allele origin: germline. Affected: yes.
Comment: The variant is observed at an extremely low frequency in the gnomAD v2.1.1 dataset (total allele frequency: 0.001%). Predicted Consequence/Location: Frameshift: predicted to result in a loss or disruption of normal protein function through nonsense-mediated decay (NMD) or protein truncation. Multiple pathogenic variants are reported downstream of the variant. The variant has been reported at least twice as pathogenic with clinical assertions and evidence for the classification (ClinVar ID: VCV000558585 /PMID: 31674169 /3billion dataset). Therefore, this variant is classified as Pathogenic according to the recommendation of ACMG/AMP guideline.

Baylor Genetics
Classification: Pathogenic for Retinitis pigmentosa 39. Last evaluated: 2024-02-13. Review status: criteria provided, single submitter. Criteria: ACMG Guidelines, 2015. Collection method: clinical testing. Allele origin: unknown.

Genome-Nilou Lab
Classification: Likely pathogenic for Retinitis pigmentosa 39. Last evaluated: 2023-11-04. Review status: criteria provided, single submitter. Criteria: ACMG Guidelines, 2015. Collection method: clinical testing. Allele origin: germline. Affected: no.

Genome-Nilou Lab
Classification: Likely pathogenic for Usher syndrome type 2A. Last evaluated: 2023-11-04. Review status: criteria provided, single submitter. Criteria: ACMG Guidelines, 2015. Collection method: clinical testing. Allele origin: germline. Affected: no.

Dept Of Ophthalmology, Nagoya University
Classification: Pathogenic for Retinal dystrophy. Last evaluated: 2023-10-01. Review status: criteria provided, single submitter. Criteria: Submitter's publication. Collection method: research. Allele origin: germline. Affected: yes.

PreventionGenetics, part of Exact Sciences
Classification: Pathogenic for USH2A-related condition. Last evaluated: 2023-01-22. Review status: criteria provided, single submitter. Criteria: ACMG Guidelines, 2015. Collection method: clinical testing. Allele origin: germline.
Comment: The USH2A c.13112_13115delAAAT variant is predicted to result in a frameshift and premature protein termination (p.Gln4371Argfs*19). This variant has been previously reported in the compound heterozygous state in individuals with sensorineural hearing loss, retinitis pigmentosa/Usher syndrome type II (Sengillo et al. 2017. PubMed ID: 28894305; Lee et al. 2020. PubMed ID: 31674169; Gao et al. 2021. PubMed ID: 32188678; Zhu et al. 2021. PubMed ID: 32675063). This variant is reported in 0.015% of alleles in individuals of East Asian descent in gnomAD. Frameshift variants in USH2A are expected to be pathogenic. This variant is interpreted as pathogenic.

Blueprint Genetics
Classification: Pathogenic for USH2A-related disorders. Last evaluated: 2020-11-10. Review status: criteria provided, single submitter. Criteria: ACMG Guidelines, 2015. Collection method: clinical testing. Allele origin: germline. Affected: yes. Observed: 2 variant alleles.

Eurofins Ntd Llc (ga)
Classification: Pathogenic. Last evaluated: 2018-08-15. Review status: criteria provided, single submitter. Criteria: EGL ClinVar v180209 classification definitions. Collection method: clinical testing. Allele origin: germline.

OMIM
Classification: Pathogenic for RETINITIS PIGMENTOSA 39. Last evaluated: 2023-04-17. Review status: no assertion criteria provided. Collection method: literature only. Allele origin: germline. Not counted in ClinVar's aggregate classification.

Biochemical Molecular Genetic Laboratory, King Abdulaziz Medical City
Classification: Likely pathogenic for Usher syndrome type 2A. Last evaluated: 2019-09-15. Review status: no assertion criteria provided. Collection method: clinical testing. Allele origin: germline. Affected: yes. Not counted in ClinVar's aggregate classification.

Counsyl
Classification: Likely pathogenic for Usher syndrome type 2A; Retinitis pigmentosa 39. Last evaluated: 2018-05-30. Review status: no assertion criteria provided. Collection method: clinical testing. Allele origin: unknown. Not counted in ClinVar's aggregate classification.

Literature cited by the submitters: PubMed 10729113 (cited by Labcorp Genetics (formerly Invitae), Labcorp); PubMed 10909849 (cited by Labcorp Genetics (formerly Invitae), Labcorp); PubMed 20507924 (cited by Labcorp Genetics (formerly Invitae), Labcorp); PubMed 25649381 (cited by Labcorp Genetics (formerly Invitae), Labcorp); PubMed 28894305 (cited by 3 submitters); PubMed 31674169 (cited by Women's Health and Genetics/Laboratory Corporation of America, LabCorp and 3billion); PubMed 36314366 (cited by OMIM).

NM_206933.4(USH2A):c.13112_13115del (p.Gln4371fs)

Gene: USH2A (usherin; minus strand). Cytogenetic location: 1q41.
Variant type: Deletion.
Coding change: c.13112_13115del on transcript NM_206933.4 (MANE Select); coding-DNA positions 13112 to 13115, 4 bases deleted (AAAT; older notation c.13112_13115delAAAT).
Protein change: p.Gln4371fs; shifts the reading frame from glutamine 4371.
Molecular consequence: frameshift variant.
Genome position (GRCh38, 1-based): chr1:215,674,796-215,674,799, ATTT deleted on the plus strand (AAAT on the coding strand, the reverse complement: USH2A is on the minus strand). VCF-style (leftmost placement, unchanged base first): chr1-215674795-CATTT-C. GRCh37 (hg19) VCF-style: chr1-215848137-CATTT-C.
Other names: c.13112_13115del (NM_206933.2); c.13112_13115delAAAT (NM_206933.4); short protein forms Q4371fs.
Identifiers: ClinVar variation 558585 (VCV000558585.27), dbSNP rs768161313, ClinGen allele CA1393349.